The following is an entry in ClinVar:

NM_014244.5(ADAMTS2):c.1776-292G>A

Gene: ADAMTS2 (ADAM metallopeptidase with thrombospondin type 1 motif 2; minus strand). Cytogenetic location: 5q35.3.
Variant type: single nucleotide variant.
Coding change: c.1776-292G>A on transcript NM_014244.5 (MANE Select); 292 bases into the intron before coding-DNA position 1776, G replaced by A.
Molecular consequence: intron variant.
Genome position (GRCh38, 1-based): chr5:179,138,236, C>T on the plus strand (G>A on the coding strand, the complement: ADAMTS2 is on the minus strand). VCF-style: chr5-179138236-C-T. GRCh37 (hg19) VCF-style: chr5-178565237-C-T.
Identifiers: ClinVar variation 682688 (VCV000682688.1), dbSNP rs34447103, ClinGen allele CA15390055.

ClinVar aggregate classification (germline): Benign (1 of 4 stars; one submission).

Allele frequency attached by ClinVar (database versions not stated): gnomAD 0.20372 and 0.21037; TOPMed 0.21044; 1000 Genomes Project 30x 0.23438; 1000 Genomes Project 0.23782.
gnomAD v4.1: 32,159 of 152,136 alleles (21%); highest among the groups gnomAD compares: East Asian, 34%; 3,814 homozygotes.

Submission:

GeneDx
Classification: Benign. Last evaluated: 2018-06-19. Review status: criteria provided, single submitter. Criteria: GeneDx Variant Classification (06012015). Collection method: clinical testing. Allele origin: germline. Affected: yes.
Comment: This variant is considered likely benign or benign based on one or more of the following criteria: it is a conservative change, it occurs at a poorly conserved position in the protein, it is predicted to be benign by multiple in silico algorithms, and/or has population frequency not consistent with disease.